The following is an entry in ClinVar:

ClinVar aggregate classification (germline): Uncertain significance. Review status: criteria provided, multiple submitters, no conflicts (2 of 4 stars). 3 submissions from 3 submitters: Uncertain significance (3). Last evaluated 2025-05-20.

Conditions:
Tuberous sclerosis 2 (TSC2). Identifiers: Orphanet 805, MedGen C1860707, MONDO:0013199, OMIM 613254.
Hereditary cancer-predisposing syndrome. Also called: Neoplastic Syndromes, Hereditary; Hereditary Cancer Syndrome; Tumor predisposition; Hereditary neoplastic syndrome. Identifiers: Orphanet 140162, MedGen C0027672, MeSH D009386, MONDO:0015356.
Tuberous sclerosis syndrome (TSC). Also called: Tuberous Sclerosis Complex; Tuberous sclerosis. Identifiers: Orphanet 805, MedGen C0041341, MONDO:0001734.

Allele frequency attached by ClinVar (database versions not stated): gnomAD 0.00001; gnomAD exomes 0.00001; 1000 Genomes Project 30x 0.00016; 1000 Genomes Project 0.00020.
gnomAD v4.1: 7 of 1,612,982 alleles (0.00043%); highest among the groups gnomAD compares: African/African-American, 0.0013%; no homozygotes.

Submissions (3):

Color Diagnostics, LLC DBA Color Health
Classification: Uncertain significance for Tuberous sclerosis syndrome. Last evaluated: 2025-05-20. Review status: criteria provided, single submitter. Criteria: ACMG Guidelines, 2015. Collection method: clinical testing. Allele origin: germline.
Comment: This missense variant replaces valine with methionine at codon 828 of the TSC2 protein. Computational prediction is inconclusive regarding the impact of this variant on protein structure and function. To our knowledge, functional studies have not been reported for this variant. This variant has not been reported in individuals affected with TSC2-related disorders in the literature. This variant has not been identified in the general population by the Genome Aggregation Database (gnomAD). The available evidence is insufficient to determine the role of this variant in disease conclusively. Therefore, this variant is classified as a Variant of Uncertain Significance.

Ambry Genetics
Classification: Uncertain significance for Hereditary cancer-predisposing syndrome. Last evaluated: 2025-01-09. Review status: criteria provided, single submitter. Criteria: Ambry Variant Classification Scheme 2023. Collection method: clinical testing. Allele origin: germline.
Comment: The p.V828M variant (also known as c.2482G>A), located in coding exon 21 of the TSC2 gene, results from a G to A substitution at nucleotide position 2482. The valine at codon 828 is replaced by methionine, an amino acid with highly similar properties. This amino acid position is conserved. In addition, this alteration is predicted to be deleterious by in silico analysis. Based on the available evidence, the clinical significance of this variant remains unclear.

Labcorp Genetics (formerly Invitae), Labcorp
Classification: Uncertain significance for Tuberous sclerosis 2. Last evaluated: 2024-01-09. Review status: criteria provided, single submitter. Criteria: Invitae Variant Classification Sherloc (09022015). Collection method: clinical testing. Allele origin: germline.
Comment: This sequence change replaces valine, which is neutral and non-polar, with methionine, which is neutral and non-polar, at codon 828 of the TSC2 protein (p.Val828Met). This variant is not present in population databases (gnomAD no frequency). This variant has not been reported in the literature in individuals affected with TSC2-related conditions. ClinVar contains an entry for this variant (Variation ID: 581316). Advanced modeling of protein sequence and biophysical properties (such as structural, functional, and spatial information, amino acid conservation, physicochemical variation, residue mobility, and thermodynamic stability) performed at Invitae indicates that this missense variant is not expected to disrupt TSC2 protein function with a negative predictive value of 95%. In summary, the available evidence is currently insufficient to determine the role of this variant in disease. Therefore, it has been classified as a Variant of Uncertain Significance.

NM_000548.5(TSC2):c.2482G>A (p.Val828Met)

Gene: TSC2 (TSC complex subunit 2; plus strand). Cytogenetic location: 16p13.3.
Variant type: single nucleotide variant.
Coding change: c.2482G>A on transcript NM_000548.5 (MANE Select); coding-DNA position 2482, G replaced by A.
Protein change: p.Val828Met; replaces valine 828 with methionine.
Molecular consequence: missense variant.
Genome position (GRCh38, 1-based): chr16:2,074,326, G>A. VCF-style: chr16-2074326-G-A. GRCh37 (hg19) VCF-style: chr16-2124327-G-A.
Other names: c.2482G>A, p.Val828Met (NM_001077183.3, NM_001114382.3, NM_001363528.2 and 3 more transcripts); c.2371G>A, p.Val791Met (NM_001318827.2); c.2335G>A, p.Val779Met (NM_001318829.2); c.1882G>A, p.Val628Met (NM_001318831.2); c.2515G>A, p.Val839Met (NM_001318832.2); short protein forms V828M, V791M, V839M, V779M, V628M.
Identifiers: ClinVar variation 581316 (VCV000581316.12), dbSNP rs150178524, ClinGen allele CA276740871.